The following is an entry in ClinVar:

NM_018075.5(ANO10):c.412A>G (p.Lys138Glu)

Gene: ANO10 (anoctamin 10; minus strand). Cytogenetic location: 3p22.1.
Variant type: single nucleotide variant.
Coding change: c.412A>G on transcript NM_018075.5 (MANE Select); coding-DNA position 412, A replaced by G.
Protein change: p.Lys138Glu; replaces lysine 138 with glutamic acid.
Molecular consequence: missense variant. On other transcripts: intron variant (1).
Genome position (GRCh38, 1-based): chr3:43,598,592, T>C on the plus strand (A>G on the coding strand, the complement: ANO10 is on the minus strand). VCF-style: chr3-43598592-T-C. GRCh37 (hg19) VCF-style: chr3-43640084-T-C.
Other names: c.412A>G, p.Lys138Glu (NM_001204831.3, NM_001204834.3, NM_001346463.2 and 4 more transcripts); c.214A>G, p.Lys72Glu (NM_001204832.3, NM_001346466.2, NM_001346469.2); c.139+7122A>G (NM_001204833.3); short protein forms K138E, K72E.
Identifiers: ClinVar variation 2684277 (VCV002684277.1), dbSNP rs2082197314, ClinGen allele CA352345461.

ClinVar aggregate classification (germline): Uncertain significance (1 of 4 stars; one submission).

Submission:

Athena Diagnostics
Classification: Uncertain significance. Last evaluated: 2022-09-23. Review status: criteria provided, single submitter. Criteria: Athena Diagnostics Criteria. Collection method: clinical testing. Allele origin: unknown.
Comment: Available data are insufficient to determine the clinical significance of the variant at this time. This variant has not been reported in large, multi-ethnic general populations. Computational tools predict that this variant is not damaging.